The following is an entry in ClinVar:

NM_006767.4(LZTR1):c.509+4A>G

Gene: LZTR1 (leucine zipper like post translational regulator 1; plus strand). Cytogenetic location: 22q11.21.
Variant type: single nucleotide variant.
Coding change: c.509+4A>G on transcript NM_006767.4 (MANE Select); 4 bases into the intron after coding-DNA position 509, A replaced by G.
Molecular consequence: intron variant.
Genome position (GRCh38, 1-based): chr22:20,988,122, A>G. VCF-style: chr22-20988122-A-G. GRCh37 (hg19) VCF-style: chr22-21342411-A-G.
Identifiers: ClinVar variation 1745271 (VCV001745271.8), dbSNP rs2518613419, ClinGen allele CA2580099178.

ClinVar aggregate classification (germline): Uncertain significance. Review status: criteria provided, multiple submitters, no conflicts (2 of 4 stars). 3 submissions from 3 submitters: Uncertain significance (3). Last evaluated 2026-03-20.

Conditions:
Hereditary cancer-predisposing syndrome. Also called: Hereditary neoplastic syndrome; Tumor predisposition; Neoplastic Syndromes, Hereditary; Hereditary Cancer Syndrome. Identifiers: Orphanet 140162, MedGen C0027672, MeSH D009386, MONDO:0015356.
Cardiovascular phenotype. Identifiers: MedGen CN230736.

Allele frequency attached by ClinVar (database versions not stated): gnomAD exomes below 0.00001.
gnomAD v4.1: 3 of 1,590,910 alleles (0.00019%); highest among the groups gnomAD compares: Non-Finnish European, 0.00017%; no homozygotes.

Submissions (3):

Women's Health and Genetics/Laboratory Corporation of America, LabCorp
Classification: Uncertain significance. Last evaluated: 2026-03-20. Review status: criteria provided, single submitter. Criteria: LabCorp Variant Classification Summary - May 2015. Collection method: clinical testing. Allele origin: germline.

Labcorp Genetics (formerly Invitae), Labcorp
Classification: Uncertain significance. Last evaluated: 2024-12-16. Review status: criteria provided, single submitter. Criteria: Invitae Variant Classification Sherloc (09022015). Collection method: clinical testing. Allele origin: germline.
Comment: This sequence change falls in intron 5 of the LZTR1 gene. It does not directly change the encoded amino acid sequence of the LZTR1 protein. It affects a nucleotide within the consensus splice site. This variant is not present in population databases (gnomAD no frequency). This variant has not been reported in the literature in individuals affected with LZTR1-related conditions. ClinVar contains an entry for this variant (Variation ID: 1745271). Variants that disrupt the consensus splice site are a relatively common cause of aberrant splicing (PMID: 17576681, 9536098). Algorithms developed to predict the effect of sequence changes on RNA splicing suggest that this variant may disrupt the consensus splice site. In summary, the available evidence is currently insufficient to determine the role of this variant in disease. Therefore, it has been classified as a Variant of Uncertain Significance.

Ambry Genetics
Classification: Uncertain significance for Cardiovascular phenotype; Hereditary cancer-predisposing syndrome. Last evaluated: 2022-02-15. Review status: criteria provided, single submitter. Criteria: Ambry Variant Classification Scheme 2023. Collection method: clinical testing. Allele origin: germline.
Comment: The c.509+4A>G intronic variant results from an A to G substitution 4 nucleotides after coding exon 5 in the LZTR1 gene. This nucleotide position is highly conserved in available vertebrate species. In silico splice site analysis predicts that this alteration may weaken the native splice donor site. Since supporting evidence is limited at this time, the clinical significance of this alteration remains unclear.

Literature cited by the submitters: PubMed 17576681 (cited by Labcorp Genetics (formerly Invitae), Labcorp); PubMed 9536098 (cited by Labcorp Genetics (formerly Invitae), Labcorp).